The following is an entry in ClinVar:

NM_021008.4(DEAF1):c.458C>A (p.Thr153Lys)

Gene: DEAF1 (DEAF1 transcription factor; minus strand). Cytogenetic location: 11p15.5.
Variant type: single nucleotide variant.
Coding change: c.458C>A on transcript NM_021008.4 (MANE Select); coding-DNA position 458, C replaced by A.
Protein change: p.Thr153Lys; replaces threonine 153 with lysine.
Molecular consequence: missense variant. On other transcripts: 5 prime UTR variant (3), intron variant (1).
Genome position (GRCh38, 1-based): chr11:688,390, G>T on the plus strand (C>A on the coding strand, the complement: DEAF1 is on the minus strand). VCF-style: chr11-688390-G-T. GRCh37 (hg19) VCF-style: chr11-688390-G-T.
Other names: c.458C>A, p.Thr153Lys (NM_001293634.2, NM_001440883.1, NM_001440884.1); c.-269C>A (NM_001367390.1, NM_001440886.1, NM_001440887.1); c.-209-333C>A (NM_001440885.1); short protein forms T153K.
Identifiers: ClinVar variation 4536467 (VCV004536467.1).

ClinVar aggregate classification (germline): Uncertain significance (1 of 4 stars; one submission).

Submission:

GeneDx
Classification: Uncertain significance. Last evaluated: 2025-06-05. Review status: criteria provided, single submitter. Criteria: GeneDx Variant Classification Process June 2021. Collection method: clinical testing. Allele origin: germline. Affected: yes.
Comment: Not observed at significant frequency in large population cohorts (gnomAD); In silico analysis suggests that this missense variant does not alter protein structure/function; Has not been previously published as pathogenic or benign to our knowledge